The following is an entry in ClinVar:

NM_000419.5(ITGA2B):c.47G>C (p.Trp16Ser)

Gene: ITGA2B (integrin subunit alpha 2b; minus strand). Cytogenetic location: 17q21.31.
Variant type: single nucleotide variant.
Coding change: c.47G>C on transcript NM_000419.5 (MANE Select); coding-DNA position 47, G replaced by C.
Protein change: p.Trp16Ser; replaces tryptophan 16 with serine.
Molecular consequence: missense variant.
Genome position (GRCh38, 1-based): chr17:44,389,427, C>G on the plus strand (G>C on the coding strand, the complement: ITGA2B is on the minus strand). VCF-style: chr17-44389427-C-G. GRCh37 (hg19) VCF-style: chr17-42466795-C-G.
Other names: short protein forms W16S.
Identifiers: ClinVar variation 4983346 (VCV004983346.1).
Genomic context (GRCh38, chr17:44,389,427, plus strand): 5'-GGGTCCAGGTTCAAGGCCCAGGCTGGAGGGGCAGCACAAGGTCCCAAGAGCAGCAGCACC[C>G]ACTCCAGAAGCCAGAGGGCTTGCAGTGGACACAAAGCTCTGGCCATCTTCCTTCTTCCAC-3'
Protein context (NP_000410.2, residues 6-26): CPLQALWLLE[Trp16Ser]VLLLLGPCAA

ClinVar aggregate classification (germline): Uncertain significance (1 of 4 stars; one submission).

Conditions:
ITGA2B-related disorder. Also called: ITGA2B-related disorders; ITGA2B-related condition.

gnomAD v4.1: 12 of 1,614,082 alleles (0.00074%); highest among the groups gnomAD compares: African/African-American, 0.0013%; no homozygotes.

Submission:

PreventionGenetics, part of Exact Sciences
Classification: Uncertain significance for ITGA2B-related condition. Last evaluated: 2026-05-06. Review status: criteria provided, single submitter. Criteria: ACMG Guidelines, 2015. Collection method: clinical testing. Allele origin: germline.
Comment: The ITGA2B c.47G>C variant is predicted to result in the amino acid substitution p.Trp16Ser. To our knowledge, this variant has not been reported in the literature or in a large population database (gnomAD), indicating this variant is rare. At the time of reporting, this variant was not present in ClinVar. At this time, the clinical significance of this variant is uncertain due to the absence of conclusive functional and genetic evidence.